The following is an entry in ClinVar:

ClinVar aggregate classification (germline): Likely benign. Review status: criteria provided, multiple submitters, no conflicts (2 of 4 stars). 3 submissions from 3 submitters: Likely benign (3). Last evaluated 2026-03-25.

Conditions:
Floating-Harbor syndrome (FLHS). Also called: SRCAP-Related Floating-Harbor Syndrome; Short stature with delayed bone age, expressive language delay, a triangular face with a prominent nose and deep-set eyes; Pelletier-Leisti syndrome. Identifiers: Orphanet 2044, MedGen C0729582, MONDO:0007621, OMIM 136140.
Developmental delay, hypotonia, musculoskeletal defects, and behavioral abnormalities. Identifiers: MedGen C5562012, MONDO:0859202, OMIM 619595.

Allele frequency attached by ClinVar (database versions not stated): ExAC 0.00012; gnomAD 0.00014; 1000 Genomes Project 30x 0.00016; gnomAD exomes 0.00016; 1000 Genomes Project 0.00020.
gnomAD v4.1: 182 of 1,612,442 alleles (0.011%); highest among the groups gnomAD compares: Admixed American, 0.018%; no homozygotes.

Submissions (3):

Women's Health and Genetics/Laboratory Corporation of America, LabCorp
Classification: Likely benign. Last evaluated: 2026-03-25. Review status: criteria provided, single submitter. Criteria: LabCorp Variant Classification Summary - May 2015. Collection method: clinical testing. Allele origin: germline.
Comment: Variant summary: SRCAP c.492+12G>A alters a nucleotide located at a position not widely known to affect splicing. Consensus agreement among computation tools predict no significant impact on normal splicing. However, these predictions have yet to be confirmed by functional studies. The variant allele was found at a frequency of 0.00016 in 249312 control chromosomes. This frequency is not significantly higher than estimated for disease-causing variants in SRCAP, allowing no conclusion about variant significance. To our knowledge, no occurrence of c.492+12G>A in individuals affected with SRCAP-related conditions and no experimental evidence demonstrating its impact on protein function have been reported. ClinVar contains an entry for this variant (Variation ID: 1651791). Based on the evidence outlined above, the variant was classified as likely benign.

Labcorp Genetics (formerly Invitae), Labcorp
Classification: Likely benign. Last evaluated: 2026-01-06. Review status: criteria provided, single submitter. Criteria: Invitae Variant Classification Sherloc (09022015). Collection method: clinical testing. Allele origin: germline.

Fulgent Genetics
Classification: Likely benign for Floating-Harbor syndrome; Developmental delay, hypotonia, musculoskeletal defects, and behavioral abnormalities. Last evaluated: 2021-12-29. Review status: criteria provided, single submitter. Criteria: ACMG Guidelines, 2015. Collection method: clinical testing. Allele origin: unknown.

NM_006662.3(SRCAP):c.492+12G>A

Gene: SRCAP (Snf2 related CREBBP activator protein; plus strand). Cytogenetic location: 16p11.2.
Variant type: single nucleotide variant.
Coding change: c.492+12G>A on transcript NM_006662.3 (MANE Select); 12 bases into the intron after coding-DNA position 492, G replaced by A.
Molecular consequence: intron variant.
Genome position (GRCh38, 1-based): chr16:30,707,380, G>A. VCF-style: chr16-30707380-G-A. GRCh37 (hg19) VCF-style: chr16-30718701-G-A.
Identifiers: ClinVar variation 1651791 (VCV001651791.10), dbSNP rs200528955, ClinGen allele CA8010682.
Genomic context (GRCh38, chr16:30,707,380, plus strand): 5'-TGCTGACTTTGCTCAGGAGCGCCGTTGGAAACGGGGTGTGGCCCGGAAGGTAGGTCTTCC[G>A]CTGGGACTTCCTTCCTTTTCCTTTTCAGGTCTGTTCCTTCCCGGTTTGTTGGAAGGGGAC-3'